The following is an entry in ClinVar:

NM_000081.4(LYST):c.6782G>A (p.Arg2261His)

Gene: LYST (lysosomal trafficking regulator; minus strand). Cytogenetic location: 1q42.3.
Variant type: single nucleotide variant.
Coding change: c.6782G>A on transcript NM_000081.4 (MANE Select); coding-DNA position 6782, G replaced by A.
Protein change: p.Arg2261His; replaces arginine 2261 with histidine.
Molecular consequence: missense variant.
Genome position (GRCh38, 1-based): chr1:235,759,071, C>T on the plus strand (G>A on the coding strand, the complement: LYST is on the minus strand). VCF-style: chr1-235759071-C-T. GRCh37 (hg19) VCF-style: chr1-235922371-C-T.
Other names: p.Arg2261His; c.6782G>A, p.Arg2261His (NM_001301365.1); c.6782G>A (NM_000081.2); short protein forms R2261H.
Identifiers: ClinVar variation 254933 (VCV000254933.41), dbSNP rs147791378, ClinGen allele CA1466312.

ClinVar aggregate classification (germline): Benign/Likely benign. Review status: criteria provided, multiple submitters, no conflicts (2 of 4 stars). 8 submissions from 8 submitters: Benign (4); Likely benign (3). 1 of the submissions does not count toward it. Last evaluated 2026-02-04.

Conditions:
Chédiak-Higashi syndrome (CHS). Also called: Chediak-Higashi Syndrome. Identifiers: Orphanet 167, MedGen C0007965, MONDO:0008963, OMIM 214500.
Inborn genetic diseases. Identifiers: MedGen C0950123, MeSH D030342.

Allele frequency attached by ClinVar (database versions not stated): ESP Exome Variant Server 0.00031; gnomAD 0.00031 and 0.00032; gnomAD exomes 0.00037 and 0.00150; 1000 Genomes Project 0.00040; 1000 Genomes Project 30x 0.00047; TOPMed 0.00064; ExAC 0.00118.
gnomAD v4.1: 586 of 1,614,092 alleles (0.036%); highest among the groups gnomAD compares: Admixed American, 0.66%; 5 homozygotes.

Submissions (8):

Labcorp Genetics (formerly Invitae), Labcorp
Classification: Benign for Chédiak-Higashi syndrome. Last evaluated: 2026-02-04. Review status: criteria provided, single submitter. Criteria: Invitae Variant Classification Sherloc (09022015). Collection method: clinical testing. Allele origin: germline.

Mayo Clinic Laboratories, Mayo Clinic
Classification: Benign. Last evaluated: 2023-04-24. Review status: criteria provided, single submitter. Criteria: ACMG Guidelines, 2015. Collection method: clinical testing. Allele origin: germline. Observed: 4 variant alleles.
Comment: BS1, BS2

Ambry Genetics
Classification: Likely benign for Inborn genetic diseases. Last evaluated: 2023-03-06. Review status: criteria provided, single submitter. Criteria: Ambry Variant Classification Scheme 2023. Collection method: clinical testing. Allele origin: germline.

CeGaT Center for Human Genetics Tuebingen
Classification: Likely benign. Last evaluated: 2022-08-01. Review status: criteria provided, single submitter. Criteria: CeGaT Center For Human Genetics Tuebingen Variant Classification Criteria Version 2. Collection method: clinical testing. Allele origin: germline. Affected: yes. Observed: 1 variant allele.
Comment: LYST: BP4, BS2

Fulgent Genetics
Classification: Likely benign for Chédiak-Higashi syndrome. Last evaluated: 2022-05-09. Review status: criteria provided, single submitter. Criteria: ACMG Guidelines, 2015. Collection method: clinical testing. Allele origin: unknown.

GeneDx
Classification: Benign. Last evaluated: 2021-04-01. Review status: criteria provided, single submitter. Criteria: GeneDx Variant Classification Process June 2021. Collection method: clinical testing. Allele origin: germline. Affected: yes.
Comment: This variant is associated with the following publications: (PMID: 27577878, 27484032)

PreventionGenetics, part of Exact Sciences
Classification: Benign. Review status: criteria provided, single submitter. Criteria: ACMG Guidelines, 2015. Collection method: clinical testing. Allele origin: germline.

ISTH-SSC Genomics in Thrombosis and Hemostasis, KU Leuven, Center for Molecular and Vascular Biology
Classification: Uncertain significance for Chédiak-Higashi syndrome. Review status: no assertion criteria provided. Collection method: research. Allele origin: unknown. Affected: yes. Not counted in ClinVar's aggregate classification.
Comment: Submitted to GoldVariant by Dr Marie-Christine Morel-Kopp from Northern Blood Research Centre, Sydney, Australia